The following is an entry in ClinVar:

ClinVar aggregate classification (germline): Likely benign (1 of 4 stars; one submission).

gnomAD v4.1: 1 of 1,211,626 alleles (0.000083%); highest among the groups gnomAD compares: Middle Eastern, 0.023%; no homozygotes.

Submission:

CeGaT Center for Human Genetics Tuebingen
Classification: Likely benign. Last evaluated: 2025-02-01. Review status: criteria provided, single submitter. Criteria: CeGaT Center For Human Genetics Tuebingen Variant Classification Criteria Version 2. Collection method: clinical testing. Allele origin: germline. Affected: yes. Observed: 1 variant allele.
Comment: HUWE1: BP4, BP7

NM_031407.7(HUWE1):c.6174A>G (p.Lys2058=)

Gene: HUWE1 (HECT, UBA and WWE domain containing E3 ubiquitin protein ligase 1; minus strand). Cytogenetic location: Xp11.22.
Variant type: single nucleotide variant.
Coding change: c.6174A>G on transcript NM_031407.7 (MANE Select); coding-DNA position 6174, A replaced by G.
Protein change: p.Lys2058=; no amino-acid change (lysine 2058 retained).
Molecular consequence: synonymous variant.
Genome position (GRCh38, 1-based): chrX:53,573,888, T>C on the plus strand (A>G on the coding strand, the complement: HUWE1 is on the minus strand). VCF-style: chrX-53573888-T-C. GRCh37 (hg19) VCF-style: chrX-53600848-T-C.
Identifiers: ClinVar variation 3771002 (VCV003771002.13).